The following is an entry in ClinVar:

NM_015100.4(POGZ):c.3843_3846del (p.Lys1281fs)

Gene: POGZ (pogo transposable element derived with ZNF domain; minus strand). Cytogenetic location: 1q21.3.
Variant type: Microsatellite.
Coding change: c.3843_3846del on transcript NM_015100.4 (MANE Select); coding-DNA positions 3843 to 3846, 4 bases deleted (GGAA; older notation c.3843_3846delGGAA).
Protein change: p.Lys1281fs; shifts the reading frame from lysine 1281.
Molecular consequence: frameshift variant.
Genome position (GRCh38, 1-based): chr1:151,405,189-151,405,192, TTCC deleted on the plus strand (GGAA on the coding strand, the reverse complement: POGZ is on the minus strand); deleting any 4 consecutive bases within chr1:151,405,189-151,405,196 gives the same sequence; the c. name uses the placement nearest the transcript's 3' end. VCF-style (leftmost placement, unchanged base first): chr1-151405188-GTTCC-G. GRCh37 (hg19) VCF-style: chr1-151377664-GTTCC-G.
Other names: c.3816_3819del, p.Lys1272fs (NM_001194937.2); c.3657_3660del, p.Lys1219fs (NM_001194938.2); c.3864_3867del, p.Lys1288fs (NM_001410860.1); c.3558_3561del, p.Lys1186fs (NM_145796.4); c.3684_3687del, p.Lys1228fs (NM_207171.2); c.3843_3846del (NM_015100.3); short protein forms K1186fs, K1219fs, K1228fs, K1272fs, K1281fs, K1288fs.
Identifiers: ClinVar variation 3387767 (VCV003387767.3).

ClinVar aggregate classification (germline): Pathogenic/Likely pathogenic. Review status: criteria provided, multiple submitters, no conflicts (2 of 4 stars). 2 submissions from 2 submitters: Pathogenic (1); Likely pathogenic (1). Last evaluated 2026-03-15.

Conditions:
Intellectual disability-microcephaly-strabismus-behavioral abnormalities syndrome. Also called: White-Sutton Syndrome. Identifiers: Orphanet 468678, MedGen C4225351, MONDO:0014606, OMIM 616364.

Submissions (2):

GeneDx
Classification: Pathogenic. Last evaluated: 2026-03-15. Review status: criteria provided, single submitter. Criteria: GeneDx Variant Classification Process June 2021. Collection method: clinical testing. Allele origin: germline.
Comment: Frameshift variant predicted to result in abnormal protein length as the last 130 amino acid(s) are replaced with 27 different amino acid(s), and other similar variants have been reported in HGMD; Not observed at significant frequency in large population cohorts (gnomAD); Has not been previously published as pathogenic or benign to our knowledge

Molecular Genetics Laboratory, Motol Hospital
Classification: Likely pathogenic for Intellectual disability-microcephaly-strabismus-behavioral abnormalities syndrome. Last evaluated: 2024-12-13. Review status: criteria provided, single submitter. Criteria: ACMG Guidelines, 2015. Collection method: clinical testing. Allele origin: germline. Affected: yes. Observed: 1 variant allele.
Comment: Rare truncating variants affecting the POGZ gene are documented as a molecular cause of "White-Sutton syndrome" (WHSUS; OMIM:616364; PMID:35821784;33377604;26942287;26739615). To conclude, the variant is classified as likely pathogenic (ACMG PVS1, PM2, PP5).

Literature cited by the submitters: PubMed 35821784 (cited by Molecular Genetics Laboratory, Motol Hospital); PubMed 33377604 (cited by Molecular Genetics Laboratory, Motol Hospital); PubMed 26942287 (cited by Molecular Genetics Laboratory, Motol Hospital); PubMed 26739615 (cited by Molecular Genetics Laboratory, Motol Hospital).